The following is an entry in ClinVar:

ClinVar aggregate classification (germline): Pathogenic/Likely pathogenic. Review status: criteria provided, multiple submitters, no conflicts (2 of 4 stars). 2 submissions from 2 submitters: Pathogenic (1); Likely pathogenic (1). Last evaluated 2024-07-04.

Conditions:
Androgen resistance syndrome (AIS). Also called: ANDROGEN RECEPTOR DEFICIENCY; Androgen insensitivity syndrome; Androgen insensitivity, complete; Androgen insensitivity; DIHYDROTESTOSTERONE RECEPTOR DEFICIENCY; TESTICULAR FEMINIZATION SYNDROME. Identifiers: Orphanet 754, Orphanet 99429, MedGen C0039585, MONDO:0019154, OMIM 300068. Disease mechanism: loss of function.

Submissions (2):

Genetics Department, Polish Mother's Memorial Hospital Research Institute
Classification: Pathogenic for Androgen resistance syndrome. Last evaluated: 2024-07-04. Review status: criteria provided, single submitter. Criteria: ACMG Guidelines, 2015. Collection method: research. Allele origin: germline. Affected: yes.
Comment: The detected NM_000044.6:c.2222C>T p.(Ser741Phe) variant causes a missense change. The variant was absent in control chromosomes in populational databases. The in-silico tools predicted a pathogenic outcome for this variant. The variant has been reported in ClinVar as likely pathogenic and in LOVD as pathogenic. Another variant affecting the same amino acid position but resulting in a different missense (i.e., Ser741Cys) has been classified as pathogenic in ClinVar. The variant is localized in the hotspot region in the window of +/- 8 amino acids, where ten missense changes were described as pathogenic, three as uncertain, and none as benign or likely benign. The variant was classified as pathogenic with 10 ACMG points (criteria: PS4_moderate, PM1, PM2, PM5, PP3, PP4).

Clinical Genetics and Genomics, Karolinska University Hospital
Classification: Likely pathogenic. Last evaluated: 2016-03-29. Review status: criteria provided, single submitter. Criteria: ACMG Guidelines, 2015. Collection method: clinical testing. Allele origin: germline. Affected: yes. Observed: 2 variant alleles.

NM_000044.6(AR):c.2222C>T (p.Ser741Phe)

Gene: AR (androgen receptor; plus strand). Cytogenetic location: Xq12.
Variant type: single nucleotide variant.
Coding change: c.2222C>T on transcript NM_000044.6 (MANE Select); coding-DNA position 2222, C replaced by T.
Protein change: p.Ser741Phe; replaces serine 741 with phenylalanine.
Molecular consequence: missense variant.
Genome position (GRCh38, 1-based): chrX:67,717,526, C>T. VCF-style: chrX-67717526-C-T. GRCh37 (hg19) VCF-style: chrX-66937368-C-T.
Other names: c.626C>T, p.Ser209Phe (NM_001011645.3); short protein forms S209F, S741F.
Identifiers: ClinVar variation 988302 (VCV000988302.2), dbSNP rs137852601, ClinGen allele CA413424512.
Genomic context (GRCh38, chrX:67,717,526, plus strand): 5'-CTTCTTCTCCAGGCTTCCGCAACTTACACGTGGACGACCAGATGGCTGTCATTCAGTACT[C>T]CTGGATGGGGCTCATGGTGTTTGCCATGGGCTGGCGATCCTTCACCAATGTCAACTCCAG-3'
Protein context (NP_000035.2, residues 731-751): VDDQMAVIQY[Ser741Phe]WMGLMVFAMG